The following is an entry in ClinVar:

ClinVar aggregate classification (germline): Uncertain significance (1 of 4 stars; one submission).

gnomAD v4.1: 54 of 1,613,912 alleles (0.0033%); highest among the groups gnomAD compares: African/African-American, 0.061%; no homozygotes.

Submission:

Labcorp Genetics (formerly Invitae), Labcorp
Classification: Uncertain significance. Last evaluated: 2025-08-17. Review status: criteria provided, single submitter. Criteria: Invitae Variant Classification Sherloc (09022015). Collection method: clinical testing. Allele origin: germline.
Comment: This sequence change replaces glycine, which is neutral and non-polar, with valine, which is neutral and non-polar, at codon 2 of the BLK protein (p.Gly2Val). This variant is present in population databases (rs142772999, gnomAD 0.08%), and has an allele count higher than expected for a pathogenic variant. This variant has not been reported in the literature in individuals affected with BLK-related conditions. ClinVar contains an entry for this variant (Variation ID: 3712440). An algorithm developed to predict the effect of missense changes on protein structure and function (PolyPhen-2) suggests that this variant is likely to be disruptive. In summary, the available evidence is currently insufficient to determine the role of this variant in disease. Therefore, it has been classified as a Variant of Uncertain Significance.

NM_001715.3(BLK):c.5G>T (p.Gly2Val)

Gene: BLK (BLK proto-oncogene, Src family tyrosine kinase). Cytogenetic location: 8p23.1.
Variant type: single nucleotide variant.
Coding change: c.5G>T on transcript NM_001715.3 (MANE Select); coding-DNA position 5, G replaced by T.
Protein change: p.Gly2Val; replaces glycine 2 with valine.
Molecular consequence: missense variant. On other transcripts: intron variant (1).
Genome position (GRCh38, 1-based): chr8:11,543,229, G>T. VCF-style: chr8-11543229-G-T. GRCh37 (hg19) VCF-style: chr8-11400738-G-T.
Other names: c.-90-2823G>T (NM_001330465.2); short protein forms G2V.
Identifiers: ClinVar variation 3712440 (VCV003712440.2).
Genomic context (GRCh38, chr8:11,543,229, plus strand): 5'-GAGGATCTGAGGCCCCGCTCTCTCATGTCCTCTGTCTGCTGTGTGTCTCCGACAGGATGG[G>T]GCTGGTAAGTAGCAAAAAGCCGGACAAGGAAAAGCCGATCAAAGAGAAGGACAAGGGCCA-3'
Protein context (NP_001706.2, residues 1-12): M[Gly2Val]LVSSKKPDKE